The following is an entry in ClinVar:

ClinVar aggregate classification (germline): Likely benign (1 of 4 stars; one submission).

Allele frequency attached by ClinVar (database versions not stated): ExAC 0.00001; TOPMed 0.00001.

Submission:

CeGaT Center for Human Genetics Tuebingen
Classification: Likely benign. Last evaluated: 2022-07-01. Review status: criteria provided, single submitter. Criteria: CeGaT Center For Human Genetics Tuebingen Variant Classification Criteria Version 2. Collection method: clinical testing. Allele origin: germline. Affected: yes. Observed: 1 variant allele.
Comment: NOC2L: PM2:Supporting, BP4, BP7

NM_015658.4(NOC2L):c.2031C>T (p.Asp677=)

Gene: NOC2L (NOC2 like nucleolar associated transcriptional repressor; minus strand). Cytogenetic location: 1p36.33.
Variant type: single nucleotide variant.
Coding change: c.2031C>T on transcript NM_015658.4 (MANE Select); coding-DNA position 2031, C replaced by T.
Protein change: p.Asp677=; no amino-acid change (aspartic acid 677 retained).
Molecular consequence: synonymous variant.
Genome position (GRCh38, 1-based): chr1:945,540, G>A on the plus strand (C>T on the coding strand, the complement: NOC2L is on the minus strand). VCF-style: chr1-945540-G-A. GRCh37 (hg19) VCF-style: chr1-880920-G-A.
Identifiers: ClinVar variation 2637977 (VCV002637977.24), dbSNP rs760834896, ClinGen allele CA503697.